The following is an entry in ClinVar:

NM_025137.4(SPG11):c.3839G>C (p.Ser1280Thr)

Gene: SPG11 (SPG11 vesicle trafficking associated, spatacsin; minus strand). Cytogenetic location: 15q21.1.
Variant type: single nucleotide variant.
Coding change: c.3839G>C on transcript NM_025137.4 (MANE Select); coding-DNA position 3839, G replaced by C.
Protein change: p.Ser1280Thr; replaces serine 1280 with threonine.
Molecular consequence: missense variant.
Genome position (GRCh38, 1-based): chr15:44,598,684, C>G on the plus strand (G>C on the coding strand, the complement: SPG11 is on the minus strand). VCF-style: chr15-44598684-C-G. GRCh37 (hg19) VCF-style: chr15-44890882-C-G.
Other names: c.3839G>C, p.Ser1280Thr (NM_001160227.2, NM_001411132.1); short protein forms S1280T.
Identifiers: ClinVar variation 2152375 (VCV002152375.1), dbSNP rs2505394586, ClinGen allele CA392230029.

ClinVar aggregate classification (germline): Uncertain significance (1 of 4 stars; one submission).

Conditions:
Hereditary spastic paraplegia 11. Also called: Spastic paraplegia, mental retardation and thin corpus callosum; Nakamura Osame syndrome; Autosomal recessive hereditary spastic paraplegia, mental impairment, and thin corpus callosum; SPASTIC PARAPLEGIA, AUTOSOMAL RECESSIVE, COMPLICATED, WITH THIN CORPUS CALLOSUM; SPASTIC PARAPLEGIA, AUTOSOMAL RECESSIVE, WITH MENTAL IMPAIRMENT AND THIN CORPUS CALLOSUM; Spastic Paraplegia 11. Identifiers: Orphanet 2822, MedGen C1858479, MONDO:0011445, OMIM 604360.

Submission:

Labcorp Genetics (formerly Invitae), Labcorp
Classification: Uncertain significance for Hereditary spastic paraplegia 11. Last evaluated: 2022-07-31. Review status: criteria provided, single submitter. Criteria: Invitae Variant Classification Sherloc (09022015). Collection method: clinical testing. Allele origin: germline.
Comment: This sequence change replaces serine, which is neutral and polar, with threonine, which is neutral and polar, at codon 1280 of the SPG11 protein (p.Ser1280Thr). This variant is not present in population databases (gnomAD no frequency). This variant has not been reported in the literature in individuals affected with SPG11-related conditions. Algorithms developed to predict the effect of missense changes on protein structure and function (SIFT, PolyPhen-2, Align-GVGD) all suggest that this variant is likely to be tolerated. In summary, the available evidence is currently insufficient to determine the role of this variant in disease. Therefore, it has been classified as a Variant of Uncertain Significance.